The following is an entry in ClinVar:

NM_004172.5(SLC1A3):c.1461C>A (p.Asp487Glu)

Genes: SLC1A3 (solute carrier family 1 member 3; plus strand), SLC1A3-AS1 (SLC1A3 antisense RNA 1; minus strand). Cytogenetic location: 5p13.2.
Variant type: single nucleotide variant.
Coding change: c.1461C>A on transcript NM_004172.5 (MANE Select); coding-DNA position 1461, C replaced by A.
Protein change: p.Asp487Glu; replaces aspartic acid 487 with glutamic acid.
Molecular consequence: missense variant.
Genome position (GRCh38, 1-based): chr5:36,686,101, C>A. VCF-style: chr5-36686101-C-A. GRCh37 (hg19) VCF-style: chr5-36686203-C-A.
Other names: c.1326C>A, p.Asp442Glu (NM_001166695.3, NM_001438459.1); c.1323C>A, p.Asp441Glu (NM_001289939.2); c.1125C>A, p.Asp375Glu (NM_001289940.2); c.1461C>A, p.Asp487Glu (NM_001438454.1, NM_001438455.1, NM_001438456.1 and 1 more transcripts); c.1602C>A, p.Asp534Glu (NM_001438458.1); c.1179C>A, p.Asp393Glu (NM_001438460.1); c.1161C>A, p.Asp387Glu (NM_001438461.1); c.1140C>A, p.Asp380Glu (NM_001438462.1); short protein forms D375E, D380E, D387E, D393E, D441E, D442E, D487E, D534E.
Identifiers: ClinVar variation 5020801 (VCV005020801.1).

ClinVar aggregate classification (germline): Uncertain significance (1 of 4 stars; one submission).

Submission:

Dasa
Classification: Uncertain significance. Last evaluated: 2025-11-12. Review status: criteria provided, single submitter. Criteria: DASA Assertion Criteria. Collection method: clinical testing. Allele origin: germline.
Comment: NM_004172.5(SLC1A3):c.1461C>A (p.Asp487Glu) is a missense variant that results in the substitution of aspartic acid with glutamic acid. This variant is absent from population databases. Computational prediction algorithms are consistent with a deleterious effect. The currently available literature and clinical evidence are not sufficient to establish a definitive association between this variant and the reported condition. Therefore, this variant is classified as a variant of uncertain significance.